The following is an entry in ClinVar:

NM_007327.4(GRIN1):c.930C>T (p.Gly310=)

Gene: GRIN1 (glutamate ionotropic receptor NMDA type subunit 1; plus strand). Cytogenetic location: 9q34.3.
Variant type: single nucleotide variant.
Coding change: c.930C>T on transcript NM_007327.4 (MANE Select); coding-DNA position 930, C replaced by T.
Protein change: p.Gly310=; no amino-acid change (glycine 310 retained).
Molecular consequence: synonymous variant.
Genome position (GRCh38, 1-based): chr9:137,156,999, C>T. VCF-style: chr9-137156999-C-T. GRCh37 (hg19) VCF-style: chr9-140051451-C-T.
Other names: c.930C>T, p.Gly310= (NM_000832.7, NM_021569.4); c.993C>T, p.Gly331= (NM_001185090.2, NM_001185091.2).
Identifiers: ClinVar variation 390508 (VCV000390508.1), dbSNP rs1057523802, ClinGen allele CA16605496.

ClinVar aggregate classification (germline): Likely benign (1 of 4 stars; one submission).

Allele frequency attached by ClinVar (database versions not stated): gnomAD exomes below 0.00001.
gnomAD v4.1: 2 of 1,606,368 alleles (0.00012%); highest among the groups gnomAD compares: South Asian, 0.0022%; no homozygotes.

Submission:

GeneDx
Classification: Likely benign. Last evaluated: 2016-10-31. Review status: criteria provided, single submitter. Criteria: GeneDx Variant Classification (06012015). Collection method: clinical testing. Allele origin: germline. Affected: yes.
Comment: This variant is considered likely benign or benign based on one or more of the following criteria: it is a conservative change, it occurs at a poorly conserved position in the protein, it is predicted to be benign by multiple in silico algorithms, and/or has population frequency not consistent with disease.